The following is an entry in ClinVar:

ClinVar aggregate classification (germline): Uncertain significance (1 of 4 stars; one submission).

Submission:

Labcorp Genetics (formerly Invitae), Labcorp
Classification: Uncertain significance. Last evaluated: 2022-06-27. Review status: criteria provided, single submitter. Criteria: Invitae Variant Classification Sherloc (09022015). Collection method: clinical testing. Allele origin: germline.
Comment: This sequence change replaces glutamic acid, which is acidic and polar, with lysine, which is basic and polar, at codon 101 of the GNPAT protein (p.Glu101Lys). This variant is not present in population databases (gnomAD no frequency). This variant has not been reported in the literature in individuals affected with GNPAT-related conditions. Algorithms developed to predict the effect of missense changes on protein structure and function (SIFT, PolyPhen-2, Align-GVGD) all suggest that this variant is likely to be tolerated. In summary, the available evidence is currently insufficient to determine the role of this variant in disease. Therefore, it has been classified as a Variant of Uncertain Significance.

NM_014236.4(GNPAT):c.301G>A (p.Glu101Lys)

Gene: GNPAT (glyceronephosphate O-acyltransferase; plus strand). Cytogenetic location: 1q42.2.
Variant type: single nucleotide variant.
Coding change: c.301G>A on transcript NM_014236.4 (MANE Select); coding-DNA position 301, G replaced by A.
Protein change: p.Glu101Lys; replaces glutamic acid 101 with lysine.
Molecular consequence: missense variant.
Genome position (GRCh38, 1-based): chr1:231,260,546, G>A. VCF-style: chr1-231260546-G-A. GRCh37 (hg19) VCF-style: chr1-231396292-G-A.
Other names: c.118G>A, p.Glu40Lys (NM_001316350.2); short protein forms E40K, E101K.
Identifiers: ClinVar variation 1467411 (VCV001467411.8), dbSNP rs2102813140, ClinGen allele CA345231401.